The following is an entry in ClinVar:

ClinVar aggregate classification (germline): Uncertain significance. Review status: criteria provided, multiple submitters, no conflicts (2 of 4 stars). 2 submissions from 2 submitters: Uncertain significance (2). Last evaluated 2025-09-09.

Submissions (2):

Ambry Genetics
Classification: Uncertain significance. Last evaluated: 2025-09-09. Review status: criteria provided, single submitter. Criteria: Ambry Variant Classification Scheme 2023. Collection method: clinical testing. Allele origin: germline.

Labcorp Genetics (formerly Invitae), Labcorp
Classification: Uncertain significance. Last evaluated: 2021-09-17. Review status: criteria provided, single submitter. Criteria: Invitae Variant Classification Sherloc (09022015). Collection method: clinical testing. Allele origin: germline.
Comment: This sequence change replaces glutamine with glutamic acid at codon 1301 of the ELP1 protein (p.Gln1301Glu). The glutamine residue is moderately conserved and there is a small physicochemical difference between glutamine and glutamic acid. This variant is not present in population databases (ExAC no frequency). This variant has not been reported in the literature in individuals with ELP1-related conditions. Algorithms developed to predict the effect of missense changes on protein structure and function (SIFT, PolyPhen-2, Align-GVGD) all suggest that this variant is likely to be tolerated, but these predictions have not been confirmed by published functional studies and their clinical significance is uncertain. In summary, the available evidence is currently insufficient to determine the role of this variant in disease. Therefore, it has been classified as a Variant of Uncertain Significance.

NM_003640.5(ELP1):c.3901C>G (p.Gln1301Glu)

Gene: ELP1 (elongator acetyltransferase complex subunit 1; minus strand). Cytogenetic location: 9q31.3.
Variant type: single nucleotide variant.
Coding change: c.3901C>G on transcript NM_003640.5 (MANE Select); coding-DNA position 3901, C replaced by G.
Protein change: p.Gln1301Glu; replaces glutamine 1301 with glutamic acid.
Molecular consequence: missense variant.
Genome position (GRCh38, 1-based): chr9:108,874,925, G>C on the plus strand (C>G on the coding strand, the complement: ELP1 is on the minus strand). VCF-style: chr9-108874925-G-C. GRCh37 (hg19) VCF-style: chr9-111637205-G-C.
Other names: c.3559C>G, p.Gln1187Glu (NM_001318360.2); c.2854C>G, p.Gln952Glu (NM_001330749.2); short protein forms Q1187E, Q1301E, Q952E.
Identifiers: ClinVar variation 1987966 (VCV001987966.2), dbSNP rs1022019183, ClinGen allele CA197517752.